The following is an entry in ClinVar:

ClinVar aggregate classification (germline): Uncertain significance (1 of 4 stars; one submission).

Conditions:
Cryopyrin associated periodic syndrome (CAPS). Identifiers: Orphanet 208650, MedGen C2316212, MONDO:0016168.

Allele frequency attached by ClinVar (database versions not stated): gnomAD 0.00001; gnomAD exomes below 0.00001.
gnomAD v4.1: 2 of 1,592,350 alleles (0.00013%); highest among the groups gnomAD compares: Admixed American, 0.0033%; no homozygotes.

Submission:

Labcorp Genetics (formerly Invitae), Labcorp
Classification: Uncertain significance for Cryopyrin associated periodic syndrome. Last evaluated: 2022-01-26. Review status: criteria provided, single submitter. Criteria: Invitae Variant Classification Sherloc (09022015). Collection method: clinical testing. Allele origin: germline.
Comment: In summary, the available evidence is currently insufficient to determine the role of this variant in disease. Therefore, it has been classified as a Variant of Uncertain Significance. Algorithms developed to predict the effect of missense changes on protein structure and function (SIFT, PolyPhen-2, Align-GVGD) all suggest that this variant is likely to be tolerated. This variant has not been reported in the literature in individuals affected with NLRP3-related conditions. This variant is not present in population databases (gnomAD no frequency). This sequence change replaces serine, which is neutral and polar, with proline, which is neutral and non-polar, at codon 1006 of the NLRP3 protein (p.Ser1006Pro).

NM_001243133.2(NLRP3):c.3010T>C (p.Ser1004Pro)

Gene: NLRP3 (NLR family pyrin domain containing 3; plus strand). Cytogenetic location: 1q44.
Variant type: single nucleotide variant.
Coding change: c.3010T>C on transcript NM_001243133.2 (MANE Select); coding-DNA position 3010, T replaced by C.
Protein change: p.Ser1004Pro; replaces serine 1004 with proline.
Molecular consequence: missense variant.
Genome position (GRCh38, 1-based): chr1:247,448,409, T>C. VCF-style: chr1-247448409-T-C. GRCh37 (hg19) VCF-style: chr1-247611711-T-C.
Other names: c.3010T>C, p.Ser1004Pro (NM_001079821.3); c.2839T>C, p.Ser947Pro (NM_001127461.3, NM_001127462.3); c.3016T>C, p.Ser1006Pro (NM_004895.5); c.2668T>C, p.Ser890Pro (NM_183395.3); short protein forms S890P, S1004P, S1006P, S947P.
Identifiers: ClinVar variation 1395971 (VCV001395971.8), dbSNP rs1664742757, ClinGen allele CA345566764.